The following is an entry in ClinVar:

NM_000179.3(MSH6):c.3901A>C (p.Asn1301His)

Gene: MSH6 (mutS homolog 6; plus strand). Cytogenetic location: 2p16.3.
Variant type: single nucleotide variant.
Coding change: c.3901A>C on transcript NM_000179.3 (MANE Select); coding-DNA position 3901, A replaced by C.
Protein change: p.Asn1301His; replaces asparagine 1301 with histidine.
Molecular consequence: missense variant.
Genome position (GRCh38, 1-based): chr2:47,806,551, A>C. VCF-style: chr2-47806551-A-C. GRCh37 (hg19) VCF-style: chr2-48033690-A-C.
Other names: c.3511A>C, p.Asn1171His (NM_001281492.2); c.2995A>C, p.Asn999His (NM_001281493.2, NM_001281494.2); short protein forms N1171H, N1301H, N999H.
Identifiers: ClinVar variation 858402 (VCV000858402.10), dbSNP rs1184905732, ClinGen allele CA346761422.

ClinVar aggregate classification (germline): Uncertain significance (1 of 4 stars; one submission).

Conditions:
Hereditary nonpolyposis colorectal neoplasms. Identifiers: MedGen C0009405, MeSH D003123.

Submission:

Labcorp Genetics (formerly Invitae), Labcorp
Classification: Uncertain significance for Hereditary nonpolyposis colorectal neoplasms. Last evaluated: 2019-02-15. Review status: criteria provided, single submitter. Criteria: Invitae Variant Classification Sherloc (09022015). Collection method: clinical testing. Allele origin: germline.
Comment: In summary, the available evidence is currently insufficient to determine the role of this variant in disease. Therefore, it has been classified as a Variant of Uncertain Significance. Algorithms developed to predict the effect of missense changes on protein structure and function are either unavailable or do not agree on the potential impact of this missense change (SIFT: "Tolerated"; PolyPhen-2: "Probably Damaging"; Align-GVGD: "Class C0"). This variant has not been reported in the literature in individuals with MSH6-related conditions. This variant is not present in population databases (ExAC no frequency). This sequence change replaces asparagine with histidine at codon 1301 of the MSH6 protein (p.Asn1301His). The asparagine residue is highly conserved and there is a small physicochemical difference between asparagine and histidine.